The following is an entry in ClinVar:

NM_001025616.3(ARHGAP24):c.242G>A (p.Gly81Glu)

Gene: ARHGAP24 (Rho GTPase activating protein 24; plus strand). Cytogenetic location: 4q21.23.
Variant type: single nucleotide variant.
Coding change: c.242G>A on transcript NM_001025616.3 (MANE Select); coding-DNA position 242, G replaced by A.
Protein change: p.Gly81Glu; replaces glycine 81 with glutamic acid.
Molecular consequence: missense variant.
Genome position (GRCh38, 1-based): chr4:85,721,946, G>A. VCF-style: chr4-85721946-G-A. GRCh37 (hg19) VCF-style: chr4-86643099-G-A.
Other names: short protein forms G81E.
Identifiers: ClinVar variation 4765646 (VCV004765646.1).

ClinVar aggregate classification (germline): Uncertain significance (1 of 4 stars; one submission).

gnomAD v4.1: 2 of 1,613,390 alleles (0.00012%); highest among the groups gnomAD compares: Admixed American, 0.0017%; no homozygotes.

Submission:

Labcorp Genetics (formerly Invitae), Labcorp
Classification: Uncertain significance. Last evaluated: 2025-03-05. Review status: criteria provided, single submitter. Criteria: Invitae Variant Classification Sherloc (09022015). Collection method: clinical testing. Allele origin: germline.
Comment: This sequence change replaces glycine, which is neutral and non-polar, with glutamic acid, which is acidic and polar, at codon 81 of the ARHGAP24 protein (p.Gly81Glu). This variant is not present in population databases (gnomAD no frequency). This variant has not been reported in the literature in individuals affected with ARHGAP24-related conditions. An algorithm developed to predict the effect of missense changes on protein structure and function (PolyPhen-2) suggests that this variant is likely to be tolerated. In summary, the available evidence is currently insufficient to determine the role of this variant in disease. Therefore, it has been classified as a Variant of Uncertain Significance.